The following is an entry in ClinVar:

ClinVar aggregate classification (germline): Pathogenic. Review status: criteria provided, multiple submitters, no conflicts (2 of 4 stars). 4 submissions from 4 submitters: Pathogenic (4). Last evaluated 2024-06-07.

Conditions:
Mucopolysaccharidosis, MPS-II (MPS2). Also called: Hunter Syndrome; Mucopolysaccharidosis with skin involvement; Mucopolysaccharidosis type 2; IDURONATE 2-SULFATASE DEFICIENCY; Mucopolysaccharidosis Type II; IDS deficiency. Identifiers: Orphanet 580, Orphanet 79388, MedGen C0026705, MONDO:0010674, OMIM 309900.

Submissions (4):

Laboratory of Diagnosis and Therapy of Lysosomal Disorders, University of Padova
Classification: Pathogenic for Mucopolysaccharidosis, MPS-II. Last evaluated: 2024-06-07. Review status: criteria provided, single submitter. Criteria: ACMG Guidelines, 2015. Collection method: literature only. Allele origin: germline. Affected: yes. Observed: 2 variant alleles.
Comment: Null variant (PVS1_Strong), De novo (PS2_Strong), Absent from controls (or at low frequency) in gnomAD database (PM2_Moderate), Patient’s phenotype or family history highly specific for the disease (PP4_Moderate)

Classification method: ACMG Guidelines [PMID:25741868] with modifications

Labcorp Genetics (formerly Invitae), Labcorp
Classification: Pathogenic for Mucopolysaccharidosis, MPS-II. Last evaluated: 2023-06-10. Review status: criteria provided, single submitter. Criteria: Invitae Variant Classification Sherloc (09022015). Collection method: clinical testing. Allele origin: germline.
Comment: For these reasons, this variant has been classified as Pathogenic. Algorithms developed to predict the effect of sequence changes on RNA splicing suggest that this variant may disrupt the consensus splice site. ClinVar contains an entry for this variant (Variation ID: 221220). Disruption of this splice site has been observed in individuals with IDS-related conditions (PMID: 26762690, 27896113). This variant is not present in population databases (gnomAD no frequency). This sequence change affects an acceptor splice site in intron 4 of the IDS gene. It is expected to disrupt RNA splicing. Variants that disrupt the donor or acceptor splice site typically lead to a loss of protein function (PMID: 16199547), and loss-of-function variants in IDS are known to be pathogenic (PMID: 8940265, 9875019).

Genome-Nilou Lab
Classification: Pathogenic for Mucopolysaccharidosis, MPS-II. Last evaluated: 2021-09-05. Review status: criteria provided, single submitter. Criteria: ACMG Guidelines, 2015. Collection method: clinical testing. Allele origin: germline. Affected: no.

IIFP, CONICET-UNLP
Classification: Pathogenic for Mucopolysaccharidosis, MPS-II. Last evaluated: 2007-05-16. Review status: criteria provided, single submitter. Criteria: ACMG Guidelines, 2007. Collection method: research. Allele origin: maternal. Inheritance: X-linked inheritance. Affected: yes. Observed: 2 variant alleles.

Literature cited by the submitters: PubMed 27896113 (cited by Laboratory of Diagnosis and Therapy of Lysosomal Disorders, University of Padova and Labcorp Genetics (formerly Invitae), Labcorp); PubMed 26762690 (cited by Labcorp Genetics (formerly Invitae), Labcorp); PubMed 16199547 (cited by Labcorp Genetics (formerly Invitae), Labcorp); PubMed 8940265 (cited by Labcorp Genetics (formerly Invitae), Labcorp); PubMed 9875019 (cited by Labcorp Genetics (formerly Invitae), Labcorp); DOI 10.1016/j.ymgmr.2014.08.006 (cited by IIFP, CONICET-UNLP).

NM_000202.8(IDS):c.508-1G>A

Genes: IDS (iduronate 2-sulfatase; minus strand), LOC106050102 (IDS recombination region; plus strand). Cytogenetic location: Xq28.
Variant type: single nucleotide variant.
Coding change: c.508-1G>A on transcript NM_000202.8 (MANE Select); the canonical splice acceptor site of the intron before coding-DNA position 508, G replaced by A.
Molecular consequence: splice acceptor variant.
Genome position (GRCh38, 1-based): chrX:149,498,308, C>T on the plus strand (G>A on the coding strand, the complement: IDS is on the minus strand). VCF-style: chrX-149498308-C-T. GRCh37 (hg19) VCF-style: chrX-148579839-C-T.
Other names: c.238-1G>A (NM_001166550.4); c.508-1G>A (NM_006123.5).
Identifiers: ClinVar variation 221220 (VCV000221220.13), dbSNP rs113993947, ClinGen allele CA350669.
Genomic context (GRCh38, chrX:149,498,308, plus strand): 5'-CAGCACATCCACAGGGCAAAGCAGGTTGGCATGGAGTTCTCCATCTGGCCCTCGACATGT[C>T]TTTCAAAACAAAATAATATAACATCAGCTTTTTAAGTGCAAGAAATGAAGCCATGAAGGC-3'